The following is an entry in ClinVar:

NM_003480.4(MFAP5):c.4T>C (p.Ser2Pro)

Gene: MFAP5 (microfibril associated protein 5; minus strand). Cytogenetic location: 12p13.31.
Variant type: single nucleotide variant.
Coding change: c.4T>C on transcript NM_003480.4 (MANE Select); coding-DNA position 4, T replaced by C.
Protein change: p.Ser2Pro; replaces serine 2 with proline.
Molecular consequence: missense variant. On other transcripts: non-coding transcript variant (2).
Genome position (GRCh38, 1-based): chr12:8,662,101, A>G on the plus strand (T>C on the coding strand, the complement: MFAP5 is on the minus strand). VCF-style: chr12-8662101-A-G. GRCh37 (hg19) VCF-style: chr12-8814697-A-G.
Other names: c.4T>C, p.Ser2Pro (NM_001297709.2, NM_001297710.2, NM_001297711.2 and 1 more transcripts); short protein forms S2P.
Identifiers: ClinVar variation 4107155 (VCV004107155.1).

ClinVar aggregate classification (germline): Uncertain significance (1 of 4 stars; one submission).

Conditions:
Cardiovascular phenotype. Identifiers: MedGen CN230736.

gnomAD v4.1: 2 of 1,613,514 alleles (0.00012%); highest among the groups gnomAD compares: Non-Finnish European, 0.00017%; no homozygotes.

Submission:

Ambry Genetics
Classification: Uncertain significance for Cardiovascular phenotype. Last evaluated: 2025-07-13. Review status: criteria provided, single submitter. Criteria: Ambry Variant Classification Scheme 2023. Collection method: clinical testing. Allele origin: germline.
Comment: The p.S2P variant (also known as c.4T>C), located in coding exon 1 of the MFAP5 gene, results from a T to C substitution at nucleotide position 4. The serine at codon 2 is replaced by proline, an amino acid with similar properties. This amino acid position is conserved. In addition, this alteration is predicted to be tolerated by in silico analysis. Based on the available evidence, the clinical significance of this variant remains unclear.